The following is an entry in ClinVar:

NM_024334.3(TMEM43):c.600C>T (p.Val200=)

Gene: TMEM43 (transmembrane protein 43; plus strand). Cytogenetic location: 3p25.1.
Variant type: single nucleotide variant.
Coding change: c.600C>T on transcript NM_024334.3 (MANE Select); coding-DNA position 600, C replaced by T.
Protein change: p.Val200=; no amino-acid change (valine 200 retained).
Molecular consequence: synonymous variant.
Genome position (GRCh38, 1-based): chr3:14,134,786, C>T. VCF-style: chr3-14134786-C-T. GRCh37 (hg19) VCF-style: chr3-14176286-C-T.
Identifiers: ClinVar variation 701351 (VCV000701351.17), dbSNP rs760323011, ClinGen allele CA054629.

ClinVar aggregate classification (germline): Likely benign. Review status: criteria provided, multiple submitters, no conflicts (2 of 4 stars). 6 submissions from 6 submitters: Likely benign (6). Last evaluated 2025-09-10.

Conditions:
Cardiovascular phenotype. Identifiers: MedGen CN230736.
Arrhythmogenic right ventricular dysplasia 5. Also called: Arrhythmogenic Right Ventricular Dysplasia/Cardiomyopathy 5; ARRHYTHMOGENIC RIGHT VENTRICULAR DYSPLASIA, FAMILIAL, 5. Identifiers: MedGen C1858379, MONDO:0011459, OMIM 604400.
Cardiomyopathy (CMYO). Also called: Cardiomyopathies. Identifiers: Orphanet 167848, MedGen C0878544, MONDO:0004994, HP:0001638. Inheritance: Various modes of inheritance.

Allele frequency attached by ClinVar (database versions not stated): gnomAD exomes 0.00001 and 0.00002; ExAC 0.00002; gnomAD 0.00002.

Submissions (6):

Labcorp Genetics (formerly Invitae), Labcorp
Classification: Likely benign for Arrhythmogenic right ventricular dysplasia 5. Last evaluated: 2025-09-10. Review status: criteria provided, single submitter. Criteria: Invitae Variant Classification Sherloc (09022015). Collection method: clinical testing. Allele origin: germline.

All of Us Research Program, National Institutes of Health
Classification: Likely benign for Arrhythmogenic right ventricular dysplasia 5. Last evaluated: 2023-11-20. Review status: criteria provided, single submitter. Criteria: ACMG Guidelines, 2015. Collection method: clinical testing. Allele origin: germline. Inheritance: Autosomal dominant inheritance. Observed: 7 variant alleles, 7 heterozygotes.
Comment: This study involves interpretation of variants in research participants for the purpose of population health screening. Participant phenotype was not available at the time of variant classification. Additional details can be found in publication PMID: 35346344, PMCID: PMC8962531

Ambry Genetics
Classification: Likely benign for Cardiovascular phenotype. Last evaluated: 2023-06-03. Review status: criteria provided, single submitter. Criteria: Ambry Variant Classification Scheme 2023. Collection method: clinical testing. Allele origin: germline.

Blueprint Genetics
Classification: Likely benign. Last evaluated: 2022-11-15. Review status: criteria provided, single submitter. Criteria: ACMG Guidelines, 2015. Collection method: clinical testing. Allele origin: germline.

Color Diagnostics, LLC DBA Color Health
Classification: Likely benign for Cardiomyopathy. Last evaluated: 2019-04-26. Review status: criteria provided, single submitter. Criteria: ACMG Guidelines, 2015. Collection method: clinical testing. Allele origin: germline.

Athena Diagnostics
Classification: Likely benign. Last evaluated: 2018-11-23. Review status: criteria provided, single submitter. Criteria: Athena Diagnostics Criteria. Collection method: clinical testing. Allele origin: germline.